The following is an entry in ClinVar:

ClinVar aggregate classification (germline): Conflicting classifications of pathogenicity. Review status: criteria provided, conflicting classifications (1 of 4 stars). 8 submissions from 8 submitters: Pathogenic (2); Likely pathogenic (4); Uncertain significance (2). Last evaluated 2026-01-13.

Conditions:
Infantile cerebral and cerebellar atrophy with postnatal progressive microcephaly (MSBA). Identifiers: Orphanet 402364, MedGen C3150921, MONDO:0013351, OMIM 613668.

Allele frequency attached by ClinVar (database versions not stated): ExAC 0.00001; gnomAD exomes 0.00001; TOPMed 0.00001; gnomAD 0.00003 and 0.00004.
gnomAD v4.1: 24 of 1,614,044 alleles (0.0015%); highest among the groups gnomAD compares: Non-Finnish European, 0.0018%; no homozygotes.

Submissions (8):

Labcorp Genetics (formerly Invitae), Labcorp
Classification: Pathogenic. Last evaluated: 2026-01-13. Review status: criteria provided, single submitter. Criteria: Invitae Variant Classification Sherloc (09022015). Collection method: clinical testing. Allele origin: germline.
Comment: This sequence change creates a premature translational stop signal (p.Gln533*) in the MED17 gene. It is expected to result in an absent or disrupted protein product. Loss-of-function variants in MED17 are known to be pathogenic (PMID: 20950787, 26004231, 30345598). This variant is present in population databases (rs752341132, gnomAD 0.004%). This variant has not been reported in the literature in individuals affected with MED17-related conditions. ClinVar contains an entry for this variant (Variation ID: 663716). For these reasons, this variant has been classified as Pathogenic.

Natera, Inc.
Classification: Likely pathogenic for Postnatal progressive microcephaly with seizures and brain atrophy. Last evaluated: 2025-09-19. Review status: criteria provided, single submitter. Criteria: Natera Variant Classification Schema (03/2026). Collection method: clinical testing. Allele origin: germline.
Comment: The c.1597C>T variant in MED17 is a nonsense variant predicted to introduce a stop codon at amino acid 533. This variant is expected to result in nonsense mediated decay, truncation, or a dysfunctional protein product. This variant is rare in the general population with a frequency below the threshold expected for the associated phenotype(s). Given the available evidence, this variant is classified as Likely Pathogenic.

Variantyx, Inc.
Classification: Likely pathogenic for Infantile cerebral and cerebellar atrophy with postnatal progressive microcephaly. Last evaluated: 2025-03-28. Review status: criteria provided, single submitter. Criteria: Variantyx Assertion Criteria 2022. Collection method: clinical testing. Allele origin: germline.
Comment: This is a nonsense variant in the MED17 gene (OMIM: 603810). Pathogenic variants in this gene have been associated with autosomal recessive postnatal progressive microcephaly, seizures, and brain atrophy. This variant introduces a premature termination codon in exon 11 out of 12. It is expected to result in loss of function, which is a known disease mechanism for MED17 in this disorder (PMID: 20950787, 26004231, 30345598) (PVS1). This variant has a 0.0018% maximum allele frequency in non-founder control populations (PM2_Supporting). Based on the current evidence, this variant is classified as likely pathogenic for autosomal recessive postnatal progressive microcephaly, seizures, and brain atrophy.

Women's Health and Genetics/Laboratory Corporation of America, LabCorp
Classification: Pathogenic for Infantile cerebral and cerebellar atrophy with postnatal progressive microcephaly. Last evaluated: 2024-08-07. Review status: criteria provided, single submitter. Criteria: LabCorp Variant Classification Summary - May 2015. Collection method: clinical testing. Allele origin: germline.
Comment: Variant summary: MED17 c.1597C>T (p.Gln533X) results in a premature termination codon, predicted to cause a truncation of the encoded protein or absence of the protein due to nonsense mediated decay, which are commonly known mechanisms for disease. The variant allele was found at a frequency of 1.2e-05 in 251444 control chromosomes. To our knowledge, no occurrence of c.1597C>T in individuals affected with Microcephaly, Postnatal Progressive, with Seizures and Brain Atrophy and no experimental evidence demonstrating its impact on protein function have been reported. ClinVar contains an entry for this variant (Variation ID: 663716). Based on the evidence outlined above, the variant was classified as pathogenic.

Fulgent Genetics
Classification: Likely pathogenic for Infantile cerebral and cerebellar atrophy with postnatal progressive microcephaly. Last evaluated: 2024-03-21. Review status: criteria provided, single submitter. Criteria: ACMG Guidelines, 2015. Collection method: clinical testing. Allele origin: germline.

Blueprint Genetics
Classification: Uncertain significance. Last evaluated: 2023-10-26. Review status: criteria provided, single submitter. Criteria: ACMG Guidelines, 2015. Collection method: clinical testing. Allele origin: germline.

CENTOGENE GmbH and LLC - Guiding Precision Medicine
Classification: Likely pathogenic for Infantile cerebral and cerebellar atrophy with postnatal progressive microcephaly. Last evaluated: 2020-05-07. Review status: criteria provided, single submitter. Criteria: ACMG Guidelines, 2015. Collection method: clinical testing. Allele origin: germline. Affected: yes.

Revvity Omics, Revvity
Classification: Uncertain significance for Infantile cerebral and cerebellar atrophy with postnatal progressive microcephaly. Last evaluated: 2019-04-23. Review status: criteria provided, single submitter. Criteria: ACMG Guidelines, 2015. Collection method: clinical testing. Allele origin: germline.

Literature cited by the submitters: PubMed 20950787 (cited by Labcorp Genetics (formerly Invitae), Labcorp); PubMed 26004231 (cited by Labcorp Genetics (formerly Invitae), Labcorp); PubMed 30345598 (cited by Labcorp Genetics (formerly Invitae), Labcorp).

NM_004268.5(MED17):c.1597C>T (p.Gln533Ter)

Gene: MED17 (mediator complex subunit 17; plus strand). Cytogenetic location: 11q21.
Variant type: single nucleotide variant.
Coding change: c.1597C>T on transcript NM_004268.5 (MANE Select); coding-DNA position 1597, C replaced by T.
Protein change: p.Gln533Ter; replaces glutamine 533 with a stop codon.
Molecular consequence: nonsense.
Genome position (GRCh38, 1-based): chr11:93,809,729, C>T. VCF-style: chr11-93809729-C-T. GRCh37 (hg19) VCF-style: chr11-93542895-C-T.
Other names: short protein forms Q533*.
Identifiers: ClinVar variation 663716 (VCV000663716.17), dbSNP rs752341132, ClinGen allele CA6232672.